The following is an entry in ClinVar:

NM_001009999.3(KDM1A):c.1498G>A (p.Ala500Thr)

Gene: KDM1A (lysine demethylase 1A; plus strand). Cytogenetic location: 1p36.12.
Variant type: single nucleotide variant.
Coding change: c.1498G>A on transcript NM_001009999.3 (MANE Select); coding-DNA position 1498, G replaced by A.
Protein change: p.Ala500Thr; replaces alanine 500 with threonine.
Molecular consequence: missense variant.
Genome position (GRCh38, 1-based): chr1:23,071,309, G>A. VCF-style: chr1-23071309-G-A. GRCh37 (hg19) VCF-style: chr1-23397802-G-A.
Other names: c.1426G>A, p.Ala476Thr (NM_001363654.2, NM_001410763.1, NM_015013.4); c.1486G>A, p.Ala496Thr (NM_001410762.1); short protein forms A476T, A500T, A496T.
Identifiers: ClinVar variation 3863305 (VCV003863305.1).

ClinVar aggregate classification (germline): Uncertain significance (1 of 4 stars; one submission).

Conditions:
Inborn genetic diseases. Identifiers: MedGen C0950123, MeSH D030342.

gnomAD v4.1: 3 of 1,613,548 alleles (0.00019%); highest among the groups gnomAD compares: Non-Finnish European, 0.00025%; no homozygotes.

Submission:

Ambry Genetics
Classification: Uncertain significance for Inborn genetic diseases. Last evaluated: 2025-02-02. Review status: criteria provided, single submitter. Criteria: Ambry Variant Classification Scheme 2023. Collection method: clinical testing. Allele origin: germline.
Comment: The p.A500T variant (also known as c.1498G>A), located in coding exon 13 of the KDM1A gene, results from a G to A substitution at nucleotide position 1498. The alanine at codon 500 is replaced by threonine, an amino acid with similar properties. This amino acid position is conserved. In addition, this alteration is predicted to be tolerated by in silico analysis. Based on the available evidence, the clinical significance of this variant remains unclear.